The following is an entry in ClinVar:

ClinVar aggregate classification (germline): Likely benign (1 of 4 stars; one submission).

Allele frequency attached by ClinVar (database versions not stated): gnomAD 0.00001; TOPMed 0.00001.
gnomAD v4.1: 10 of 1,560,714 alleles (0.00064%); highest among the groups gnomAD compares: South Asian, 0.0023%; no homozygotes.

Submission:

CeGaT Center for Human Genetics Tuebingen
Classification: Likely benign. Last evaluated: 2023-03-01. Review status: criteria provided, single submitter. Criteria: CeGaT Center For Human Genetics Tuebingen Variant Classification Criteria Version 2. Collection method: clinical testing. Allele origin: germline. Affected: yes. Observed: 1 variant allele.
Comment: MAN2C1: BP4, BP7

NM_006715.4(MAN2C1):c.2730G>A (p.Pro910=)

Genes: MAN2C1 (mannosidase alpha class 2C member 1; minus strand), NEIL1 (nei like DNA glycosylase 1; plus strand). Cytogenetic location: 15q24.2.
Variant type: single nucleotide variant.
Coding change: c.2730G>A on transcript NM_006715.4 (MANE Select); coding-DNA position 2730, G replaced by A.
Protein change: p.Pro910=; no amino-acid change (proline 910 retained).
Molecular consequence: synonymous variant. On other transcripts: 3 prime UTR variant (2), non-coding transcript variant (1).
Genome position (GRCh38, 1-based): chr15:75,356,613, C>T on the plus strand (G>A on the coding strand, the complement: MAN2C1 is on the minus strand). VCF-style: chr15-75356613-C-T. GRCh37 (hg19) VCF-style: chr15-75648954-C-T.
Other names: c.2781G>A, p.Pro927= (NM_001256494.2); c.2730G>A, p.Pro910= (NM_001256495.2); c.2433G>A, p.Pro811= (NM_001256496.2); c.*1579C>T (NM_001352520.2, NM_024608.4).
Identifiers: ClinVar variation 2645554 (VCV002645554.24), dbSNP rs1219207252, ClinGen allele CA491495954.